The following is an entry in ClinVar:

NM_004628.5(XPC):c.537-8_537-5del

Gene: XPC (XPC complex subunit, DNA damage recognition and repair factor; minus strand). Cytogenetic location: 3p25.1.
Variant type: Deletion.
Coding change: c.537-8_537-5del on transcript NM_004628.5 (MANE Select); 8 bases into the intron before coding-DNA position 537 through 5 bases into the intron before coding-DNA position 537, 4 bases deleted (TGTT; older notation c.537-8_537-5delTGTT).
Molecular consequence: intron variant.
Genome position (GRCh38, 1-based): chr3:14,167,258-14,167,261, AACA deleted on the plus strand (TGTT on the coding strand, the reverse complement: XPC is on the minus strand); deleting any 4 consecutive bases within chr3:14,167,258-14,167,263 gives the same sequence; the c. name uses the placement nearest the transcript's 3' end. VCF-style (leftmost placement, unchanged base first): chr3-14167257-CAACA-C. GRCh37 (hg19) VCF-style: chr3-14208757-CAACA-C.
Other names: c.519-8_519-5del (NM_001354729.2); c.-43-8_-43-5del (NM_001354726.2); c.537-8_537-5del (NM_001354730.2, NM_001354727.2).
Identifiers: ClinVar variation 1094530 (VCV001094530.10), dbSNP rs1210551886, ClinGen allele CA351542434.

ClinVar aggregate classification (germline): Conflicting classifications of pathogenicity. Review status: criteria provided, conflicting classifications (1 of 4 stars). 2 submissions from 2 submitters: Uncertain significance (1); Likely benign (1). Last evaluated 2024-02-25.

Conditions:
Xeroderma pigmentosum (XP). Identifiers: Orphanet 910, MedGen C0043346, MONDO:0019600.

Submissions (2):

Labcorp Genetics (formerly Invitae), Labcorp
Classification: Likely benign. Last evaluated: 2024-02-25. Review status: criteria provided, single submitter. Criteria: Invitae Variant Classification Sherloc (09022015). Collection method: clinical testing. Allele origin: germline.

Sema4
Classification: Uncertain significance for Xeroderma pigmentosum. Last evaluated: 2021-12-01. Review status: criteria provided, single submitter. Criteria: Sema4 Curation Guidelines. Collection method: curation. Allele origin: germline.
Comment: The XPC c.537-8_537-5delTGTT variant has not been reported in the literature to our knowledge. It was observed in 4/8710 chromosomes of the African/African American subpopulation in the large and broad cohorts of the Genome Aggregation Database (PMID: 32461654). The variant has been reported in ClinVar (Variation ID 1094530). In silico tools suggest that the variant may affect the splice site, though these predictions have not been confirmed by functional studies. The evidence is insufficient to meet ACMG/AMP criteria for classifying the variant as benign or pathogenic. Thus, the clinical significance of this variant is currently uncertain.